The following is an entry in ClinVar:

NM_000093.5(COL5A1):c.4176+18C>T

Gene: COL5A1 (collagen type V alpha 1 chain; plus strand). Cytogenetic location: 9q34.3.
Variant type: single nucleotide variant.
Coding change: c.4176+18C>T on transcript NM_000093.5 (MANE Select); 18 bases into the intron after coding-DNA position 4176, C replaced by T.
Molecular consequence: intron variant.
Genome position (GRCh38, 1-based): chr9:134,817,097, C>T. VCF-style: chr9-134817097-C-T. GRCh37 (hg19) VCF-style: chr9-137708943-C-T.
Other names: c.4176+18C>T (NM_001278074.1).
Identifiers: ClinVar variation 3693776 (VCV003693776.2).
Genomic context (GRCh38, chr9:134,817,097, plus strand): 5'-CCCTACTGGTGAACCAGGTCCATCGGGGCCTCCAGGAAAAAGGGTAAATAATCCTGCAGG[C>T]ACATCCTTGCTGTCAAATCCCTGCATGAAACACCCCCGCCCCTCCCCGTCACCTTTGCTT-3'

ClinVar aggregate classification (germline): Uncertain significance (1 of 4 stars; one submission).

Conditions:
Ehlers-Danlos syndrome, classic type, 1 (EDSCL1). Also called: EHLERS-DANLOS SYNDROME, GRAVIS TYPE; EHLERS-DANLOS SYNDROME, SEVERE CLASSIC TYPE; Ehlers-Danlos syndrome, type 1; Ehlers-Danlos Syndrome, Classic Type, COL5A1-Related; EDS I. Identifiers: MedGen C0268335, MONDO:0019567, OMIM 130000.

Submission:

Labcorp Genetics (formerly Invitae), Labcorp
Classification: Uncertain significance for Ehlers-Danlos syndrome, classic type, 1. Last evaluated: 2025-04-10. Review status: criteria provided, single submitter. Criteria: Invitae Variant Classification Sherloc (09022015). Collection method: clinical testing. Allele origin: germline.
Comment: This sequence change falls in intron 53 of the COL5A1 gene. It does not directly change the encoded amino acid sequence of the COL5A1 protein. This variant is not present in population databases (gnomAD no frequency). This variant has not been reported in the literature in individuals affected with COL5A1-related conditions. ClinVar contains an entry for this variant (Variation ID: 3693776). Algorithms developed to predict the effect of sequence changes on RNA splicing suggest that this variant may create or strengthen a splice site. In summary, the available evidence is currently insufficient to determine the role of this variant in disease. Therefore, it has been classified as a Variant of Uncertain Significance.